The following is an entry in ClinVar:

NM_006218.4(PIK3CA):c.1055A>T (p.Asp352Val)

Gene: PIK3CA (phosphatidylinositol-4,5-bisphosphate 3-kinase catalytic subunit alpha; plus strand). Cytogenetic location: 3q26.32.
Variant type: single nucleotide variant.
Coding change: c.1055A>T on transcript NM_006218.4 (MANE Select); coding-DNA position 1055, A replaced by T.
Protein change: p.Asp352Val; replaces aspartic acid 352 with valine.
Molecular consequence: missense variant.
Genome position (GRCh38, 1-based): chr3:179,203,785, A>T. VCF-style: chr3-179203785-A-T. GRCh37 (hg19) VCF-style: chr3-178921573-A-T.
Other names: short protein forms D352V.
Identifiers: ClinVar variation 1006152 (VCV001006152.9), dbSNP rs1724484731, ClinGen allele CA355281700.

ClinVar aggregate classification (germline): Uncertain significance (1 of 4 stars; one submission).

Conditions:
Cowden syndrome (CS). Also called: Cowden's disease; Cowden's syndrome; Cowden disease. Identifiers: Orphanet 201, MedGen C0018553, MONDO:0016063. Disease mechanism: gain of function.

Submission:

Labcorp Genetics (formerly Invitae), Labcorp
Classification: Uncertain significance for Cowden syndrome. Last evaluated: 2020-10-25. Review status: criteria provided, single submitter. Criteria: Invitae Variant Classification Sherloc (09022015). Collection method: clinical testing. Allele origin: germline.
Comment: In summary, the available evidence is currently insufficient to determine the role of this variant in disease. Therefore, it has been classified as a Variant of Uncertain Significance. Algorithms developed to predict the effect of missense changes on protein structure and function (SIFT, PolyPhen-2, Align-GVGD) all suggest that this variant is likely to be disruptive, but these predictions have not been confirmed by published functional studies and their clinical significance is uncertain. This variant has not been reported in the literature in individuals with PIK3CA-related conditions. This variant is not present in population databases (ExAC no frequency). This sequence change replaces aspartic acid with valine at codon 352 of the PIK3CA protein (p.Asp352Val). The aspartic acid residue is highly conserved and there is a large physicochemical difference between aspartic acid and valine.